The following is an entry in ClinVar:

NM_001378778.1(MPDZ):c.180C>T (p.Asp60=)

Gene: MPDZ (multiple PDZ domain crumbs cell polarity complex component; minus strand). Cytogenetic location: 9p23.
Variant type: single nucleotide variant.
Coding change: c.180C>T on transcript NM_001378778.1 (MANE Select); coding-DNA position 180, C replaced by T.
Protein change: p.Asp60=; no amino-acid change (aspartic acid 60 retained).
Molecular consequence: synonymous variant.
Genome position (GRCh38, 1-based): chr9:13,247,638, G>A on the plus strand (C>T on the coding strand, the complement: MPDZ is on the minus strand). VCF-style: chr9-13247638-G-A. GRCh37 (hg19) VCF-style: chr9-13247637-G-A.
Other names: c.180C>T, p.Asp60= (NM_001375416.1, NM_001375417.1, NM_001375418.1 and 14 more transcripts); c.180C>T (NM_003829.4).
Identifiers: ClinVar variation 1641729 (VCV001641729.33), dbSNP rs377473317, ClinGen allele CA4988218.
Genomic context (GRCh38, chr9:13,247,638, plus strand): 5'-CCTTTCACAAGATCTATGCCATGTCGTGAATGCCTGCTTGGGTGAATGATGTCCTACCTG[G>A]TCTTTCAGCTGCTGTACAGAAGTCTGAAGGCTCAGAATCTGACTGAAGAGAGGGCTCTGC-3'
Protein context (NP_001365707.1, residues 50-70): SLQTSVQQLK[Asp60=]QVNIATSATS

ClinVar aggregate classification (germline): Likely benign. Review status: criteria provided, multiple submitters, no conflicts (2 of 4 stars). 3 submissions from 3 submitters: Likely benign (2). 1 of the submissions does not count toward it. Last evaluated 2025-12-24.

Conditions:
MPDZ-related disorder. Also called: MPDZ-related condition.

Allele frequency attached by ClinVar (database versions not stated): ExAC 0.00002; gnomAD exomes 0.00002; gnomAD 0.00014 and 0.00016; TOPMed 0.00015; ESP Exome Variant Server 0.00033.
gnomAD v4.1: 54 of 1,609,452 alleles (0.0034%); highest among the groups gnomAD compares: African/African-American, 0.063%; no homozygotes.

Submissions (3):

Labcorp Genetics (formerly Invitae), Labcorp
Classification: Likely benign. Last evaluated: 2025-12-24. Review status: criteria provided, single submitter. Criteria: Invitae Variant Classification Sherloc (09022015). Collection method: clinical testing. Allele origin: germline.

CeGaT Center for Human Genetics Tuebingen
Classification: Likely benign. Last evaluated: 2022-07-01. Review status: criteria provided, single submitter. Criteria: CeGaT Center For Human Genetics Tuebingen Variant Classification Criteria Version 2. Collection method: clinical testing. Allele origin: germline. Affected: yes. Observed: 1 variant allele.
Comment: MPDZ: BP4, BP7

PreventionGenetics, part of Exact Sciences
Classification: Likely benign for MPDZ-related condition. Last evaluated: 2019-06-28. Review status: no assertion criteria provided. Collection method: clinical testing. Allele origin: germline. Not counted in ClinVar's aggregate classification.
Comment: This variant is classified as likely benign based on ACMG/AMP sequence variant interpretation guidelines (Richards et al. 2015 PMID: 25741868, with internal and published modifications).